The following is an entry in ClinVar:

NM_000188.3(HK1):c.189G>A (p.Met63Ile)

Gene: HK1 (hexokinase 1; plus strand). Cytogenetic location: 10q22.1.
Variant type: single nucleotide variant.
Coding change: c.189G>A on transcript NM_000188.3 (MANE Select); coding-DNA position 189, G replaced by A.
Protein change: p.Met63Ile; replaces methionine 63 with isoleucine.
Molecular consequence: missense variant.
Genome position (GRCh38, 1-based): chr10:69,343,952, G>A. VCF-style: chr10-69343952-G-A. GRCh37 (hg19) VCF-style: chr10-71103708-G-A.
Other names: c.201G>A, p.Met67Ile (NM_001322364.2, NM_001358263.1, NM_033497.3 and 1 more transcripts); c.294G>A, p.Met98Ile (NM_001322365.2); c.105G>A, p.Met35Ile (NM_001322366.1); c.189G>A, p.Met63Ile (NM_001322367.1); c.186G>A, p.Met62Ile (NM_033496.3); c.153G>A, p.Met51Ile (NM_033500.2); short protein forms M35I, M51I, M62I, M63I, M67I, M98I.
Identifiers: ClinVar variation 2574456 (VCV002574456.1), dbSNP rs2540244531, ClinGen allele CA376907597.

ClinVar aggregate classification (germline): Uncertain significance (1 of 4 stars; one submission).

Submission:

GeneDx
Classification: Uncertain significance. Last evaluated: 2023-01-26. Review status: criteria provided, single submitter. Criteria: GeneDx Variant Classification Process June 2021. Collection method: clinical testing. Allele origin: germline. Affected: yes.
Comment: Not observed at significant frequency in large population cohorts (gnomAD); In silico analysis supports that this missense variant has a deleterious effect on protein structure/function; Has not been previously published as pathogenic or benign to our knowledge